The following is an entry in ClinVar:

ClinVar aggregate classification (germline): Uncertain significance (1 of 4 stars; one submission).

Conditions:
Autosomal dominant limb-girdle muscular dystrophy type 1F (LGMDD2). Also called: Limb-girdle muscular dystrophy, type 1F; MUSCULAR DYSTROPHY, LIMB-GIRDLE, AUTOSOMAL DOMINANT 2. Identifiers: Orphanet 55595, MedGen C1842062, MONDO:0012034, OMIM 608423.

Allele frequency attached by ClinVar (database versions not stated): TOPMed below 0.00001; ExAC 0.00001.
gnomAD v4.1: 5 of 1,614,044 alleles (0.00031%); highest among the groups gnomAD compares: Non-Finnish European, 0.00034%; no homozygotes.

Submission:

Labcorp Genetics (formerly Invitae), Labcorp
Classification: Uncertain significance for Autosomal dominant limb-girdle muscular dystrophy type 1F. Last evaluated: 2025-10-03. Review status: criteria provided, single submitter. Criteria: Invitae Variant Classification Sherloc (09022015). Collection method: clinical testing. Allele origin: germline.
Comment: This sequence change replaces arginine, which is basic and polar, with histidine, which is basic and polar, at codon 400 of the TNPO3 protein (p.Arg400His). This variant is present in population databases (rs777738372, gnomAD 0.0009%). This variant has not been reported in the literature in individuals affected with TNPO3-related conditions. ClinVar contains an entry for this variant (Variation ID: 2902191). Invitae Evidence Modeling of protein sequence and biophysical properties (such as structural, functional, and spatial information, amino acid conservation, physicochemical variation, residue mobility, and thermodynamic stability) indicates that this missense variant is expected to disrupt TNPO3 protein function with a positive predictive value of 80%. Algorithms developed to predict the effect of sequence changes on RNA splicing suggest that this variant may disrupt the consensus splice site. In summary, the available evidence is currently insufficient to determine the role of this variant in disease. Therefore, it has been classified as a Variant of Uncertain Significance.

NM_012470.4(TNPO3):c.1199G>A (p.Arg400His)

Gene: TNPO3 (transportin 3; minus strand). Cytogenetic location: 7q32.1.
Variant type: single nucleotide variant.
Coding change: c.1199G>A on transcript NM_012470.4 (MANE Select); coding-DNA position 1199, G replaced by A.
Protein change: p.Arg400His; replaces arginine 400 with histidine.
Molecular consequence: missense variant. On other transcripts: non-coding transcript variant (18), intron variant (1).
Genome position (GRCh38, 1-based): chr7:128,993,874, C>T on the plus strand (G>A on the coding strand, the complement: TNPO3 is on the minus strand). VCF-style: chr7-128993874-C-T. GRCh37 (hg19) VCF-style: chr7-128633928-C-T.
Other names: c.1199G>A, p.Arg400His (NM_001191028.3, NM_001382216.1, NM_001382218.1 and 2 more transcripts); c.1280G>A, p.Arg427His (NM_001382217.1); c.1055G>A, p.Arg352His (NM_001382221.1); c.1052G>A, p.Arg351His (NM_001382222.1); c.1159-1784G>A (NM_001382219.1); short protein forms R400H, R352H, R427H, R351H.
Identifiers: ClinVar variation 2902191 (VCV002902191.3), dbSNP rs777738372, ClinGen allele CA4478228.